The following is an entry in ClinVar:

ClinVar aggregate classification (germline): Conflicting classifications of pathogenicity. Review status: criteria provided, conflicting classifications (1 of 4 stars). 4 submissions from 4 submitters: Uncertain significance (1); Likely benign (3). Last evaluated 2026-01-20.

Conditions:
DBH-related disorder. Also called: DBH-related condition.
Orthostatic hypotension 1 (ORTHYP1). Also called: Dopamine beta-hydroxylase deficiency; Orthostatic hypotension 1, due to DBH deficiency; NORADRENALINE DEFICIENCY; NOREPINEPHRINE DEFICIENCY. Identifiers: Orphanet 230, MedGen C4746777, MONDO:0009123, OMIM 223360.

Allele frequency attached by ClinVar (database versions not stated): ESP Exome Variant Server 0.00031; ExAC 0.00032; TOPMed 0.00032; gnomAD exomes 0.00033; gnomAD 0.00036 and 0.00040.
gnomAD v4.1: 802 of 1,613,630 alleles (0.05%); highest among the groups gnomAD compares: Middle Eastern, 0.066%; no homozygotes.

Submissions (4):

Labcorp Genetics (formerly Invitae), Labcorp
Classification: Likely benign for Orthostatic hypotension 1. Last evaluated: 2026-01-20. Review status: criteria provided, single submitter. Criteria: Invitae Variant Classification Sherloc (09022015). Collection method: clinical testing. Allele origin: germline.

PreventionGenetics, part of Exact Sciences
Classification: Likely benign for DBH-related condition. Last evaluated: 2024-12-18. Review status: criteria provided, single submitter. Criteria: ACMG Guidelines, 2015. Collection method: clinical testing. Allele origin: germline.
Comment: This variant is classified as likely benign based on ACMG/AMP sequence variant interpretation guidelines (Richards et al. 2015 PMID: 25741868, with internal and published modifications).

Blueprint Genetics
Classification: Likely benign. Last evaluated: 2024-10-21. Review status: criteria provided, single submitter. Criteria: ACMG Guidelines, 2015. Collection method: clinical testing. Allele origin: germline.

Illumina Laboratory Services, Illumina
Classification: Uncertain significance for Orthostatic hypotension 1. Last evaluated: 2018-01-13. Review status: criteria provided, single submitter. Criteria: ICSL Variant Classification Criteria 13 December 2019. Collection method: clinical testing. Allele origin: germline.

NM_000787.4(DBH):c.849C>T (p.Cys283=)

Gene: DBH (dopamine beta-hydroxylase; plus strand). Cytogenetic location: 9q34.2.
Variant type: single nucleotide variant.
Coding change: c.849C>T on transcript NM_000787.4 (MANE Select); coding-DNA position 849, C replaced by T.
Protein change: p.Cys283=; no amino-acid change (cysteine 283 retained).
Molecular consequence: synonymous variant.
Genome position (GRCh38, 1-based): chr9:133,643,517, C>T. VCF-style: chr9-133643517-C-T. GRCh37 (hg19) VCF-style: chr9-136508639-C-T.
Identifiers: ClinVar variation 365648 (VCV000365648.15), dbSNP rs78200745, ClinGen allele CA5313211.
Genomic context (GRCh38, chr9:133,643,517, plus strand): 5'-CATGGAAGTCTTCCAGTGCGCCCCCGAGATGGACAGCGTCCCCCACTTCAGCGGGCCCTG[C>T]GACTCCAAGATGAAACCCGACCGCCTCAACTACTGCCGCCACGTGCTGGCCGCCTGGGCC-3'
Protein context (NP_000778.3, residues 273-293): MDSVPHFSGP[Cys283=]DSKMKPDRLN